The following is an entry in ClinVar:

NM_001042492.3(NF1):c.480-5T>C

Gene: NF1 (neurofibromin 1; plus strand). Cytogenetic location: 17q11.2.
Variant type: single nucleotide variant.
Coding change: c.480-5T>C on transcript NM_001042492.3 (MANE Select); 5 bases into the intron before coding-DNA position 480, T replaced by C.
Molecular consequence: intron variant.
Genome position (GRCh38, 1-based): chr17:31,169,886, T>C. VCF-style: chr17-31169886-T-C. GRCh37 (hg19) VCF-style: chr17-29496904-T-C.
Other names: c.480-5T>C (NM_000267.4, NM_001128147.3).
Identifiers: ClinVar variation 457723 (VCV000457723.11), dbSNP rs1555607069, ClinGen allele CA658658581.

ClinVar aggregate classification (germline): Conflicting classifications of pathogenicity. Review status: criteria provided, conflicting classifications (1 of 4 stars). 2 submissions from 2 submitters: Uncertain significance (1); Likely benign (1). Last evaluated 2018-08-14.

Conditions:
Neurofibromatosis, type 1 (NF1). Also called: VON RECKLINGHAUSEN DISEASE; NEUROFIBROMATOSIS, TYPE I, SOMATIC; Peripheral type neurofibromatosis; Neurofibromatosis, type I. Identifiers: Orphanet 636, MedGen C0027831, MONDO:0018975, OMIM 162200. Disease mechanism: loss of function.
Cardiovascular phenotype. Identifiers: MedGen CN230736.
Hereditary cancer-predisposing syndrome. Also called: Hereditary Cancer Syndrome; Hereditary neoplastic syndrome; Tumor predisposition; Neoplastic Syndromes, Hereditary. Identifiers: Orphanet 140162, MedGen C0027672, MeSH D009386, MONDO:0015356.

Submissions (2):

Ambry Genetics
Classification: Uncertain significance for Cardiovascular phenotype; Hereditary cancer-predisposing syndrome. Last evaluated: 2018-08-14. Review status: criteria provided, single submitter. Criteria: Ambry Variant Classification Scheme 2023. Collection method: clinical testing. Allele origin: germline.
Comment: The c.480-5T>C intronic variant results from a T to C substitution 5 nucleotides upstream from coding exon 5 in the NF1 gene. This nucleotide position is well conserved in available vertebrate species. Using the BDGP and ESEfinder splice site prediction tools, this alteration is not predicted to have any significant effect on this splice acceptor site; however, direct evidence is unavailable. Since supporting evidence is limited at this time, the clinical significance of this alteration remains unclear.

Labcorp Genetics (formerly Invitae), Labcorp
Classification: Likely benign for Neurofibromatosis, type 1. Last evaluated: 2017-03-28. Review status: criteria provided, single submitter. Criteria: Invitae Variant Classification Sherloc (09022015). Collection method: clinical testing. Allele origin: germline.